The following is an entry in ClinVar:

ClinVar aggregate classification (germline): Uncertain significance (1 of 4 stars; one submission).

Conditions:
Charcot-Marie-Tooth disease type 4. Also called: Charcot-Marie-Tooth, Type 4; Charcot-Marie-Tooth disease, type IV. Identifiers: Orphanet 64749, MedGen C4082197, MONDO:0018995.

Allele frequency attached by ClinVar (database versions not stated): gnomAD 0.00002; TOPMed 0.00002; gnomAD exomes 0.00001; ExAC 0.00002.
gnomAD v4.1: 3 of 1,613,586 alleles (0.00019%); highest among the groups gnomAD compares: African/African-American, 0.004%; no homozygotes.

Submission:

Labcorp Genetics (formerly Invitae), Labcorp
Classification: Uncertain significance for Charcot-Marie-Tooth disease type 4. Last evaluated: 2021-01-07. Review status: criteria provided, single submitter. Criteria: Invitae Variant Classification Sherloc (09022015). Collection method: clinical testing. Allele origin: germline.
Comment: This sequence change falls in intron 6 of the FGD4 gene. It does not directly change the encoded amino acid sequence of the FGD4 protein. It affects a nucleotide within the consensus splice site of the intron. This variant is present in population databases (rs755168497, ExAC 0.02%). This variant has not been reported in the literature in individuals with FGD4-related conditions. Nucleotide substitutions within the consensus splice site are a relatively common cause of aberrant splicing (PMID: 17576681, 9536098). Algorithms developed to predict the effect of sequence changes on RNA splicing suggest that this variant may disrupt the consensus splice site, but this prediction has not been confirmed by published transcriptional studies. In summary, the available evidence is currently insufficient to determine the role of this variant in disease. Therefore, it has been classified as a Variant of Uncertain Significance.

Literature cited by the submitters: PubMed 17576681; PubMed 9536098.

NM_001370298.3(FGD4):c.1248-3C>A

Gene: FGD4 (FYVE, RhoGEF and PH domain containing 4; plus strand). Cytogenetic location: 12p11.21.
Variant type: single nucleotide variant.
Coding change: c.1248-3C>A on transcript NM_001370298.3 (MANE Select); 3 bases into the intron before coding-DNA position 1248, C replaced by A.
Molecular consequence: intron variant.
Genome position (GRCh38, 1-based): chr12:32,602,158, C>A. VCF-style: chr12-32602158-C-A. GRCh37 (hg19) VCF-style: chr12-32755092-C-A.
Other names: c.1248-3C>A (NM_001384126.1); c.1092-3C>A (NM_001304481.2); c.558-3C>A (NM_001330374.2, NM_001330373.2, NM_001384130.1); c.837-3C>A (NM_139241.3, NM_001384127.1, NM_001385118.1 and 1 more transcripts); c.-215-3C>A (NM_001304484.2); c.285-3C>A (NM_001370297.1); c.93-3C>A (NM_001304483.2).
Identifiers: ClinVar variation 1511276 (VCV001511276.5), dbSNP rs755168497, ClinGen allele CA6506748.